The following is an entry in ClinVar:

ClinVar aggregate classification (germline): Likely pathogenic. Review status: criteria provided, multiple submitters, no conflicts (2 of 4 stars). 2 submissions from 2 submitters: Likely pathogenic (2). Last evaluated 2026-01-15.

Conditions:
SMARCA5-associated neurodevelopmental disorder.
SMARCA5-related disorder. Also called: SMARCA5-Related Disorders; SMARCA5-related condition.

Submissions (2):

3billion
Classification: Likely pathogenic for SMARCA5-related disorder. Last evaluated: 2026-01-15. Review status: criteria provided, single submitter. Criteria: ACMG Guidelines, 2015. Collection method: clinical testing. Allele origin: germline. Affected: yes.
Comment: The variant is not observed in the gnomAD v4.1.0 dataset. Predicted Consequence/Location: Missense variant. Missense changes are a common disease-causing mechanism. In silico tool predictions suggest damaging effect of the variant on gene or gene product [REVEL: 0.94 (>=0.6, sensitivity 0.68 and specificity 0.92); 3Cnet: 0.88 (> 0.75, sensitivity 0.96 and precision 0.92)]. The same nucleotide change resulting in the same amino acid change has been previously reported to be associated with SMARCA5-related disorder (ClinVar ID: VCV003773710). A different missense change at the same codon (p.Pro339Ala) has been reported to be associated with SMARCA5-related disorder (ClinVar ID: VCV004072338). Therefore, this variant is classified as Likely pathogenic according to the recommendation of ACMG/AMP guideline.

Institute of Human Genetics, University of Leipzig Medical Center
Classification: Likely pathogenic for SMARCA5-associated neurodevelopmental disorder. Last evaluated: 2025-03-04. Review status: criteria provided, single submitter. Criteria: ACMG Guidelines, 2015. Collection method: clinical testing. Allele origin: unknown. Inheritance: Autosomal dominant inheritance. Affected: yes.
Comment: Criteria applied: PM1,PM2,PP2,PP3

Literature cited by the submitters: PubMed 33980485 (cited by Institute of Human Genetics, University of Leipzig Medical Center).

NM_003601.4(SMARCA5):c.1015C>T (p.Pro339Ser)

Gene: SMARCA5 (SNF2 related chromatin remodeling ATPase 5; plus strand). Cytogenetic location: 4q31.21.
Variant type: single nucleotide variant.
Coding change: c.1015C>T on transcript NM_003601.4 (MANE Select); coding-DNA position 1015, C replaced by T.
Protein change: p.Pro339Ser; replaces proline 339 with serine.
Molecular consequence: missense variant.
Genome position (GRCh38, 1-based): chr4:143,528,640, C>T. VCF-style: chr4-143528640-C-T. GRCh37 (hg19) VCF-style: chr4-144449793-C-T.
Other names: short protein forms P339S.
Identifiers: ClinVar variation 3773710 (VCV003773710.3).